The following is an entry in ClinVar:

NM_015311.3(OBSL1):c.5309-9C>A

Gene: OBSL1 (obscurin like cytoskeletal adaptor 1; minus strand). Cytogenetic location: 2q35.
Variant type: single nucleotide variant.
Coding change: c.5309-9C>A on transcript NM_015311.3 (MANE Select); 9 bases into the intron before coding-DNA position 5309, C replaced by A.
Molecular consequence: intron variant.
Genome position (GRCh38, 1-based): chr2:219,552,225, G>T on the plus strand (C>A on the coding strand, the complement: OBSL1 is on the minus strand). VCF-style: chr2-219552225-G-T. GRCh37 (hg19) VCF-style: chr2-220416947-G-T.
Identifiers: ClinVar variation 4705119 (VCV004705119.1).
Genomic context (GRCh38, chr2:219,552,225, plus strand): 5'-TCACCGGCGTCCTCGGCGCGCAGCTCGCTAAGCACCAGAATGTGTTTCTTCCCTGGGGGT[G>T]AGGGGGTCGCTAGCGAGGCCGGAGCCACCTCTGAGGAGCGTTGGGGACGAAGGTGGGGGC-3'

ClinVar aggregate classification (germline): Uncertain significance (1 of 4 stars; one submission).

Submission:

Labcorp Genetics (formerly Invitae), Labcorp
Classification: Uncertain significance. Last evaluated: 2025-03-30. Review status: criteria provided, single submitter. Criteria: Invitae Variant Classification Sherloc (09022015). Collection method: clinical testing. Allele origin: germline.
Comment: This sequence change falls in intron 18 of the OBSL1 gene. It does not directly change the encoded amino acid sequence of the OBSL1 protein. This variant is not present in population databases (gnomAD no frequency). This variant has not been reported in the literature in individuals affected with OBSL1-related conditions. Algorithms developed to predict the effect of sequence changes on RNA splicing suggest that this variant may disrupt the consensus splice site. In summary, the available evidence is currently insufficient to determine the role of this variant in disease. Therefore, it has been classified as a Variant of Uncertain Significance.